The following is an entry in ClinVar:

ClinVar aggregate classification (germline): Uncertain significance. Review status: criteria provided, multiple submitters, no conflicts (2 of 4 stars). 2 submissions from 2 submitters: Uncertain significance (2). Last evaluated 2024-12-11.

Conditions:
5-Oxoprolinase deficiency (OPLAHD). Also called: 5-OXOPROLINURIA DUE TO 5-OXOPROLINASE DEFICIENCY. Identifiers: Orphanet 33572, MedGen C0268525, MONDO:0009825, OMIM 260005, HP:0040142.

Allele frequency attached by ClinVar (database versions not stated): gnomAD 0.00001; gnomAD exomes 0.00002; TOPMed 0.00002.
gnomAD v4.1: 11 of 1,611,922 alleles (0.00068%); highest among the groups gnomAD compares: Admixed American, 0.005%; no homozygotes.

Submissions (2):

Ambry Genetics
Classification: Uncertain significance. Last evaluated: 2024-12-11. Review status: criteria provided, single submitter. Criteria: Ambry Variant Classification Scheme 2023. Collection method: clinical testing. Allele origin: germline.

Labcorp Genetics (formerly Invitae), Labcorp
Classification: Uncertain significance for 5-Oxoprolinase deficiency. Last evaluated: 2022-07-06. Review status: criteria provided, single submitter. Criteria: Invitae Variant Classification Sherloc (09022015). Collection method: clinical testing. Allele origin: germline.
Comment: This sequence change replaces glutamic acid, which is acidic and polar, with lysine, which is basic and polar, at codon 372 of the OPLAH protein (p.Glu372Lys). This variant is present in population databases (no rsID available, gnomAD 0.003%). This variant has not been reported in the literature in individuals affected with OPLAH-related conditions. Algorithms developed to predict the effect of missense changes on protein structure and function are either unavailable or do not agree on the potential impact of this missense change (SIFT: "Not Available"; PolyPhen-2: "Probably Damaging"; Align-GVGD: "Not Available"). In summary, the available evidence is currently insufficient to determine the role of this variant in disease. Therefore, it has been classified as a Variant of Uncertain Significance.

NM_017570.5(OPLAH):c.1114G>A (p.Glu372Lys)

Gene: OPLAH (5-oxoprolinase, ATP-hydrolysing; minus strand). Cytogenetic location: 8q24.3.
Variant type: single nucleotide variant.
Coding change: c.1114G>A on transcript NM_017570.5 (MANE Select); coding-DNA position 1114, G replaced by A.
Protein change: p.Glu372Lys; replaces glutamic acid 372 with lysine.
Molecular consequence: missense variant.
Genome position (GRCh38, 1-based): chr8:144,057,898, C>T on the plus strand (G>A on the coding strand, the complement: OPLAH is on the minus strand). VCF-style: chr8-144057898-C-T. GRCh37 (hg19) VCF-style: chr8-145112801-C-T.
Other names: c.1114G>A (NM_017570.3); short protein forms E372K.
Identifiers: ClinVar variation 2052573 (VCV002052573.2), dbSNP rs1459850152, ClinGen allele CA372567370.